The following is an entry in ClinVar:

NM_032608.7(MYO18B):c.5176G>C (p.Glu1726Gln)

Gene: MYO18B (myosin XVIIIB; plus strand). Cytogenetic location: 22q12.1.
Variant type: single nucleotide variant.
Coding change: c.5176G>C on transcript NM_032608.7 (MANE Select); coding-DNA position 5176, G replaced by C.
Protein change: p.Glu1726Gln; replaces glutamic acid 1726 with glutamine.
Molecular consequence: missense variant.
Genome position (GRCh38, 1-based): chr22:25,908,349, G>C. VCF-style: chr22-25908349-G-C. GRCh37 (hg19) VCF-style: chr22-26304316-G-C.
Other names: c.5179G>C, p.Glu1727Gln (NM_001318245.2); short protein forms E1727Q, E1726Q.
Identifiers: ClinVar variation 2075175 (VCV002075175.4), dbSNP rs746447515, ClinGen allele CA411001750.

ClinVar aggregate classification (germline): Uncertain significance (1 of 4 stars; one submission).

gnomAD v4.1: 1 of 1,596,638 alleles (0.000063%); highest among the groups gnomAD compares: Non-Finnish European, 0.000085%; no homozygotes.

Submission:

Labcorp Genetics (formerly Invitae), Labcorp
Classification: Uncertain significance. Last evaluated: 2022-05-27. Review status: criteria provided, single submitter. Criteria: Invitae Variant Classification Sherloc (09022015). Collection method: clinical testing. Allele origin: germline.
Comment: In summary, the available evidence is currently insufficient to determine the role of this variant in disease. Therefore, it has been classified as a Variant of Uncertain Significance. Algorithms developed to predict the effect of missense changes on protein structure and function are either unavailable or do not agree on the potential impact of this missense change (SIFT: "Not Available"; PolyPhen-2: "Probably Damaging"; Align-GVGD: "Not Available"). This variant has not been reported in the literature in individuals affected with MYO18B-related conditions. This sequence change replaces glutamic acid, which is acidic and polar, with glutamine, which is neutral and polar, at codon 1726 of the MYO18B protein (p.Glu1726Gln). This variant is not present in population databases (gnomAD no frequency).